The following is an entry in ClinVar:

ClinVar aggregate classification (germline): Likely benign (1 of 4 stars; one submission).

Allele frequency attached by ClinVar (database versions not stated): 1000 Genomes Project 0.00160; ExAC 0.00180; 1000 Genomes Project 30x 0.00187; TOPMed 0.00204; gnomAD 0.00205; ESP Exome Variant Server 0.00238.
gnomAD v4.1: 4,940 of 1,614,092 alleles (0.31%); highest among the groups gnomAD compares: Non-Finnish European, 0.37%; 10 homozygotes.

Submission:

CeGaT Center for Human Genetics Tuebingen
Classification: Likely benign. Last evaluated: 2023-05-01. Review status: criteria provided, single submitter. Criteria: CeGaT Center For Human Genetics Tuebingen Variant Classification Criteria Version 2. Collection method: clinical testing. Allele origin: germline. Affected: yes. Observed: 1 variant allele.
Comment: ZCCHC7: BP4, BS2

NM_032226.3(ZCCHC7):c.706T>G (p.Ser236Ala)

Gene: ZCCHC7 (zinc finger CCHC-type containing 7; plus strand). Cytogenetic location: 9p13.2.
Variant type: single nucleotide variant.
Coding change: c.706T>G on transcript NM_032226.3 (MANE Select); coding-DNA position 706, T replaced by G.
Protein change: p.Ser236Ala; replaces serine 236 with alanine.
Molecular consequence: missense variant. On other transcripts: non-coding transcript variant (1).
Genome position (GRCh38, 1-based): chr9:37,304,239, T>G. VCF-style: chr9-37304239-T-G. GRCh37 (hg19) VCF-style: chr9-37304236-T-G.
Other names: c.706T>G, p.Ser236Ala (NM_001289119.2, NM_001289120.2, NM_001289121.2); short protein forms S236A.
Identifiers: ClinVar variation 2659194 (VCV002659194.24), dbSNP rs138176259, ClinGen allele CA5058630.